The following is an entry in ClinVar:

NM_004370.6(COL12A1):c.1220T>C (p.Met407Thr)

Gene: COL12A1 (collagen type XII alpha 1 chain; minus strand). Cytogenetic location: 6q13.
Variant type: single nucleotide variant.
Coding change: c.1220T>C on transcript NM_004370.6 (MANE Select); coding-DNA position 1220, T replaced by C.
Protein change: p.Met407Thr; replaces methionine 407 with threonine.
Molecular consequence: missense variant. On other transcripts: intron variant (2).
Genome position (GRCh38, 1-based): chr6:75,183,922, A>G on the plus strand (T>C on the coding strand, the complement: COL12A1 is on the minus strand). VCF-style: chr6-75183922-A-G. GRCh37 (hg19) VCF-style: chr6-75893638-A-G.
Other names: c.1220T>C, p.Met407Thr (NM_001424113.1, NM_001424114.1, NM_001424115.1); c.73+18798T>C (NM_001424116.1, NM_080645.3); c.1220T>C (NM_004370.5); short protein forms M407T.
Identifiers: ClinVar variation 4789195 (VCV004789195.2).

ClinVar aggregate classification (germline): Uncertain significance. Review status: criteria provided, multiple submitters, no conflicts (2 of 4 stars). 2 submissions from 2 submitters: Uncertain significance (2). Last evaluated 2025-05-22.

Conditions:
Ullrich congenital muscular dystrophy 2 (UCMD2). Identifiers: Orphanet 75840, MedGen C4225314, MONDO:0014654, OMIM 616470.
Bethlem myopathy 2 (BTHLM2). Identifiers: Orphanet 536516, Orphanet 610, MedGen C4225313, MONDO:0034022, OMIM 616471.
COL12A1-related disorder. Also called: COL12A1-related condition.

gnomAD v4.1: 1 of 1,614,130 alleles (0.000062%); highest among the groups gnomAD compares: Non-Finnish European, 0.000085%; no homozygotes.

Submissions (2):

PreventionGenetics, part of Exact Sciences
Classification: Uncertain significance for COL12A1-related condition. Last evaluated: 2025-05-22. Review status: criteria provided, single submitter. Criteria: ACMG Guidelines, 2015. Collection method: clinical testing. Allele origin: germline.
Comment: The COL12A1 c.1220T>C variant is predicted to result in the amino acid substitution p.Met407Thr. To our knowledge, this variant has not been reported in the literature or in a large population database (gnomAD), indicating this variant is rare. At this time, the clinical significance of this variant is uncertain due to the absence of conclusive functional and genetic evidence.

Labcorp Genetics (formerly Invitae), Labcorp
Classification: Uncertain significance for Bethlem myopathy 2; Ullrich congenital muscular dystrophy 2. Last evaluated: 2025-04-20. Review status: criteria provided, single submitter. Criteria: Invitae Variant Classification Sherloc (09022015). Collection method: clinical testing. Allele origin: germline.
Comment: This sequence change replaces methionine, which is neutral and non-polar, with threonine, which is neutral and polar, at codon 407 of the COL12A1 protein (p.Met407Thr). This variant is not present in population databases (gnomAD no frequency). This variant has not been reported in the literature in individuals affected with COL12A1-related conditions. Invitae Evidence Modeling of protein sequence and biophysical properties (such as structural, functional, and spatial information, amino acid conservation, physicochemical variation, residue mobility, and thermodynamic stability) indicates that this missense variant is not expected to disrupt COL12A1 protein function with a negative predictive value of 80%. In summary, the available evidence is currently insufficient to determine the role of this variant in disease. Therefore, it has been classified as a Variant of Uncertain Significance.